The following is an entry in ClinVar:

NM_001374385.1(ATP8B1):c.3454G>A (p.Ala1152Thr)

Genes: ATP8B1 (ATPase phospholipid transporting 8B1; minus strand), ATP8B1-AS1 (ATP8B1 antisense RNA 1; plus strand). Cytogenetic location: 18q21.31.
Variant type: single nucleotide variant.
Coding change: c.3454G>A on transcript NM_001374385.1 (MANE Select); coding-DNA position 3454, G replaced by A.
Protein change: p.Ala1152Thr; replaces alanine 1152 with threonine.
Molecular consequence: missense variant.
Genome position (GRCh38, 1-based): chr18:57,650,444, C>T on the plus strand (G>A on the coding strand, the complement: ATP8B1 is on the minus strand). VCF-style: chr18-57650444-C-T. GRCh37 (hg19) VCF-style: chr18-55317676-C-T.
Other names: c.3304G>A, p.Ala1102Thr (NM_001374386.1); c.3454G>A, p.Ala1152Thr (NM_005603.6); short protein forms A1102T, A1152T.
Identifiers: ClinVar variation 1192345 (VCV001192345.11), dbSNP rs222581, ClinGen allele CA8974007.

ClinVar aggregate classification (germline): Benign. Review status: criteria provided, multiple submitters, no conflicts (2 of 4 stars). 6 submissions from 5 submitters: Benign (6). Last evaluated 2026-04-14.

Conditions:
Familial intrahepatic cholestasis. Identifiers: Orphanet 284385, MedGen CN296401, MONDO:0017290.
Progressive familial intrahepatic cholestasis type 1. Also called: Byler's disease; Severe ATP8B1 Deficiency (Progressive Familial Intrahepatic Cholestasis Type 1 [PFIC1]); BYLER DISEASE. Identifiers: Orphanet 79306, MedGen C4551898, MONDO:0008892, OMIM 211600.
Cholestasis, intrahepatic, of pregnancy, 1 (ICP1). Also called: CHOLESTASIS, PREGNANCY-RELATED, 1. Identifiers: Orphanet 69665, MedGen C3549845, MONDO:0007829, OMIM 147480.

Allele frequency attached by ClinVar (database versions not stated): ESP Exome Variant Server 0.99877; gnomAD 0.99879 and 0.99890; TOPMed 0.99879; ExAC 0.99972; gnomAD exomes 0.99979; 1000 Genomes Project 0.99980; 1000 Genomes Project 30x 0.99984.
gnomAD v4.1: 1,613,816 of 1,614,082 alleles (100%); highest among the groups gnomAD compares: East Asian, 100%; 806,775 homozygotes.

Submissions (6):

Genomenon, Inc
Classification: Benign for Familial intrahepatic cholestasis. Last evaluated: 2026-04-14. Review status: criteria provided, single submitter. Criteria: Genomenon Sequence Variant Interpretation Standards - Updated. Collection method: curation. Allele origin: germline. Affected: no.
Comment: ATP8B1 p.Ala1152Thr (c.3454G>A) is a missense variant that changes the amino acid at residue 1152 from Alanine to Threonine. In silico models predict that this variant is not damaging. This variant is present at high allele frequency in population databases. In conclusion, we classify ATP8B1 p.Ala1152Thr (c.3454G>A) as a benign variant.

Labcorp Genetics (formerly Invitae), Labcorp
Classification: Benign. Last evaluated: 2026-02-04. Review status: criteria provided, single submitter. Criteria: Invitae Variant Classification Sherloc (09022015). Collection method: clinical testing. Allele origin: germline.

Blueprint Genetics
Classification: Benign. Last evaluated: 2024-11-28. Review status: criteria provided, single submitter. Criteria: ACMG Guidelines, 2015. Collection method: clinical testing. Allele origin: germline.

Genome-Nilou Lab
Classification: Benign for Cholestasis, intrahepatic, of pregnancy, 1. Last evaluated: 2021-07-14. Review status: criteria provided, single submitter. Criteria: ACMG Guidelines, 2015. Collection method: clinical testing. Allele origin: germline. Affected: no.

Genome-Nilou Lab
Classification: Benign for Progressive familial intrahepatic cholestasis type 1. Last evaluated: 2021-07-14. Review status: criteria provided, single submitter. Criteria: ACMG Guidelines, 2015. Collection method: clinical testing. Allele origin: germline. Affected: no.

Breakthrough Genomics
Classification: Benign. Review status: criteria provided, single submitter. Criteria: ACMG Guidelines, 2015. Collection method: not provided. Allele origin: germline. Inheritance: Autosomal recessive inheritance. Affected: yes.